The following is an entry in ClinVar:

ClinVar aggregate classification (germline): Uncertain significance. Review status: criteria provided, multiple submitters, no conflicts (2 of 4 stars). 2 submissions from 2 submitters: Uncertain significance (2). Last evaluated 2024-09-08.

Conditions:
Hereditary cancer-predisposing syndrome. Also called: Neoplastic Syndromes, Hereditary; Hereditary Cancer Syndrome; Hereditary neoplastic syndrome; Tumor predisposition. Identifiers: Orphanet 140162, MedGen C0027672, MeSH D009386, MONDO:0015356.

Allele frequency attached by ClinVar (database versions not stated): TOPMed below 0.00001.

Submissions (2):

Ambry Genetics
Classification: Uncertain significance for Hereditary cancer-predisposing syndrome. Last evaluated: 2024-09-08. Review status: criteria provided, single submitter. Criteria: Ambry Variant Classification Scheme 2023. Collection method: clinical testing. Allele origin: germline.
Comment: The p.I189F variant (also known as c.565A>T), located in coding exon 4 of the CTNNA1 gene, results from an A to T substitution at nucleotide position 565. The isoleucine at codon 189 is replaced by phenylalanine, an amino acid with highly similar properties. This amino acid position is conserved. In addition, this alteration is predicted to be tolerated by in silico analysis. Based on the available evidence, the clinical significance of this variant remains unclear.

Labcorp Genetics (formerly Invitae), Labcorp
Classification: Uncertain significance. Last evaluated: 2022-12-21. Review status: criteria provided, single submitter. Criteria: Invitae Variant Classification Sherloc (09022015). Collection method: clinical testing. Allele origin: germline.
Comment: Advanced modeling of protein sequence and biophysical properties (such as structural, functional, and spatial information, amino acid conservation, physicochemical variation, residue mobility, and thermodynamic stability) performed at Invitae indicates that this missense variant is not expected to disrupt CTNNA1 protein function. In summary, the available evidence is currently insufficient to determine the role of this variant in disease. Therefore, it has been classified as a Variant of Uncertain Significance. This variant has not been reported in the literature in individuals affected with CTNNA1-related conditions. This variant is not present in population databases (gnomAD no frequency). This sequence change replaces isoleucine, which is neutral and non-polar, with phenylalanine, which is neutral and non-polar, at codon 189 of the CTNNA1 protein (p.Ile189Phe).

NM_001903.5(CTNNA1):c.565A>T (p.Ile189Phe)

Gene: CTNNA1 (catenin alpha 1; plus strand). Cytogenetic location: 5q31.2.
Variant type: single nucleotide variant.
Coding change: c.565A>T on transcript NM_001903.5 (MANE Select); coding-DNA position 565, A replaced by T.
Protein change: p.Ile189Phe; replaces isoleucine 189 with phenylalanine.
Molecular consequence: missense variant.
Genome position (GRCh38, 1-based): chr5:138,812,279, A>T. VCF-style: chr5-138812279-A-T. GRCh37 (hg19) VCF-style: chr5-138147968-A-T.
Other names: c.565A>T, p.Ile189Phe (NM_001290307.3, NM_001323982.2, NM_001323983.1 and 3 more transcripts); c.256A>T, p.Ile86Phe (NM_001290309.3); c.196A>T, p.Ile66Phe (NM_001290310.3); c.565A>T (NM_001903.2); short protein forms I189F, I86F, I66F.
Identifiers: ClinVar variation 2875620 (VCV002875620.4), dbSNP rs1758901728, ClinGen allele CA361125565.
Genomic context (GRCh38, chr5:138,812,279, plus strand): 5'-AATGAACAAGACTTAGGAATCCAGTATAAAGCCCTAAAACCTGAAGTGGATAAGCTGAAC[A>T]TTATGGCAGCCAAAAGACAACAGGTACAGTCATGATTTGGGGATATATTAAAGTTGTTCA-3'
Protein context (NP_001894.2, residues 179-199): ALKPEVDKLN[Ile189Phe]MAAKRQQELK